The following is an entry in ClinVar:

ClinVar aggregate classification (germline): Uncertain significance (1 of 4 stars; one submission).

gnomAD v4.1: 9 of 1,614,062 alleles (0.00056%); highest among the groups gnomAD compares: Non-Finnish European, 0.00034%; no homozygotes.

Submission:

Labcorp Genetics (formerly Invitae), Labcorp
Classification: Uncertain significance. Last evaluated: 2024-07-05. Review status: criteria provided, single submitter. Criteria: Invitae Variant Classification Sherloc (09022015). Collection method: clinical testing. Allele origin: germline.
Comment: This sequence change replaces arginine, which is basic and polar, with proline, which is neutral and non-polar, at codon 786 of the TOPORS protein (p.Arg786Pro). This variant is present in population databases (rs374383518, gnomAD 0.004%). This variant has not been reported in the literature in individuals affected with TOPORS-related conditions. Experimental studies and prediction algorithms are not available or were not evaluated, and the functional significance of this variant is currently unknown. In summary, the available evidence is currently insufficient to determine the role of this variant in disease. Therefore, it has been classified as a Variant of Uncertain Significance.

NM_005802.5(TOPORS):c.2357G>C (p.Arg786Pro)

Gene: TOPORS (TOP1 binding arginine/serine rich protein, E3 ubiquitin ligase; minus strand). Cytogenetic location: 9p21.1.
Variant type: single nucleotide variant.
Coding change: c.2357G>C on transcript NM_005802.5 (MANE Select); coding-DNA position 2357, G replaced by C.
Protein change: p.Arg786Pro; replaces arginine 786 with proline.
Molecular consequence: missense variant.
Genome position (GRCh38, 1-based): chr9:32,542,168, C>G on the plus strand (G>C on the coding strand, the complement: TOPORS is on the minus strand). VCF-style: chr9-32542168-C-G. GRCh37 (hg19) VCF-style: chr9-32542166-C-G.
Other names: c.2162G>C, p.Arg721Pro (NM_001195622.2); short protein forms R721P, R786P.
Identifiers: ClinVar variation 3698161 (VCV003698161.2).